The following is an entry in ClinVar:

NM_030632.3(ASXL3):c.1558G>A (p.Glu520Lys)

Gene: ASXL3 (ASXL transcriptional regulator 3; plus strand). Cytogenetic location: 18q12.1.
Variant type: single nucleotide variant.
Coding change: c.1558G>A on transcript NM_030632.3 (MANE Select); coding-DNA position 1558, G replaced by A.
Protein change: p.Glu520Lys; replaces glutamic acid 520 with lysine.
Molecular consequence: missense variant.
Genome position (GRCh38, 1-based): chr18:33,738,962, G>A. VCF-style: chr18-33738962-G-A. GRCh37 (hg19) VCF-style: chr18-31318926-G-A.
Other names: short protein forms E520K.
Identifiers: ClinVar variation 3338587 (VCV003338587.1).

ClinVar aggregate classification (germline): Uncertain significance (1 of 4 stars; one submission).

Submission:

Greenwood Genetic Center Diagnostic Laboratories, Greenwood Genetic Center
Classification: Uncertain significance. Last evaluated: 2024-04-11. Review status: criteria provided, single submitter. Criteria: ACMG Guidelines, 2015. Collection method: clinical testing. Allele origin: germline. Affected: yes.
Comment: PM2, BP4